The following is an entry in ClinVar:

ClinVar aggregate classification (germline): Uncertain significance (1 of 4 stars; one submission).

Conditions:
Periodic fever-infantile enterocolitis-autoinflammatory syndrome. Also called: Autoinflammation with infantile enterocolitis. Identifiers: Orphanet 436166, MedGen C4015067, MONDO:0014472, OMIM 616050.
Familial cold autoinflammatory syndrome 4 (FCAS4). Identifiers: Orphanet 47045, Orphanet 576349, MedGen C4015276, MONDO:0014498, OMIM 616115.

gnomAD v4.1: 6 of 1,609,082 alleles (0.00037%); highest among the groups gnomAD compares: South Asian, 0.0055%; no homozygotes.

Submission:

Labcorp Genetics (formerly Invitae), Labcorp
Classification: Uncertain significance for Periodic fever-infantile enterocolitis-autoinflammatory syndrome; Familial cold autoinflammatory syndrome 4. Last evaluated: 2025-05-06. Review status: criteria provided, single submitter. Criteria: Invitae Variant Classification Sherloc (09022015). Collection method: clinical testing. Allele origin: germline.
Comment: This sequence change replaces asparagine, which is neutral and polar, with lysine, which is basic and polar, at codon 764 of the NLRC4 protein (p.Asn764Lys). This variant is present in population databases (no rsID available, gnomAD 0.01%). This variant has not been reported in the literature in individuals affected with NLRC4-related conditions. Invitae Evidence Modeling of protein sequence and biophysical properties (such as structural, functional, and spatial information, amino acid conservation, physicochemical variation, residue mobility, and thermodynamic stability) indicates that this missense variant is not expected to disrupt NLRC4 protein function with a negative predictive value of 80%. In summary, the available evidence is currently insufficient to determine the role of this variant in disease. Therefore, it has been classified as a Variant of Uncertain Significance.

NM_001199138.2(NLRC4):c.2292C>A (p.Asn764Lys)

Gene: NLRC4 (NLR family CARD domain containing 4; minus strand). Cytogenetic location: 2p22.3.
Variant type: single nucleotide variant.
Coding change: c.2292C>A on transcript NM_001199138.2 (MANE Select); coding-DNA position 2292, C replaced by A.
Protein change: p.Asn764Lys; replaces asparagine 764 with lysine.
Molecular consequence: missense variant.
Genome position (GRCh38, 1-based): chr2:32,241,091, G>T on the plus strand (C>A on the coding strand, the complement: NLRC4 is on the minus strand). VCF-style: chr2-32241091-G-T. GRCh37 (hg19) VCF-style: chr2-32466160-G-T.
Other names: c.2292C>A, p.Asn764Lys (NM_001199139.2, NM_021209.5); c.297C>A, p.Asn99Lys (NM_001302504.2); short protein forms N99K, N764K.
Identifiers: ClinVar variation 4794720 (VCV004794720.1).